The following is an entry in ClinVar:

NM_006343.3(MERTK):c.515C>T (p.Ser172Leu)

Gene: MERTK (MER proto-oncogene, tyrosine kinase; plus strand). Cytogenetic location: 2q13.
Variant type: single nucleotide variant.
Coding change: c.515C>T on transcript NM_006343.3 (MANE Select); coding-DNA position 515, C replaced by T.
Protein change: p.Ser172Leu; replaces serine 172 with leucine.
Molecular consequence: missense variant.
Genome position (GRCh38, 1-based): chr2:111,944,992, C>T. VCF-style: chr2-111944992-C-T. GRCh37 (hg19) VCF-style: chr2-112702569-C-T.
Other names: short protein forms S172L.
Identifiers: ClinVar variation 2179681 (VCV002179681.4), dbSNP rs143570667, ClinGen allele CA1831064.

ClinVar aggregate classification (germline): Uncertain significance. Review status: criteria provided, multiple submitters, no conflicts (2 of 4 stars). 2 submissions from 2 submitters: Uncertain significance (2). Last evaluated 2024-04-09.

Allele frequency attached by ClinVar (database versions not stated): ESP Exome Variant Server 0.00008.
gnomAD v4.1: 9 of 1,613,452 alleles (0.00056%); highest among the groups gnomAD compares: East Asian, 0.0022%; no homozygotes.

Submissions (2):

Blueprint Genetics
Classification: Uncertain significance. Last evaluated: 2024-04-09. Review status: criteria provided, single submitter. Criteria: ACMG Guidelines, 2015. Collection method: clinical testing. Allele origin: germline.

Labcorp Genetics (formerly Invitae), Labcorp
Classification: Uncertain significance. Last evaluated: 2022-05-15. Review status: criteria provided, single submitter. Criteria: Invitae Variant Classification Sherloc (09022015). Collection method: clinical testing. Allele origin: germline.
Comment: In summary, the available evidence is currently insufficient to determine the role of this variant in disease. Therefore, it has been classified as a Variant of Uncertain Significance. Algorithms developed to predict the effect of missense changes on protein structure and function are either unavailable or do not agree on the potential impact of this missense change (SIFT: "Deleterious"; PolyPhen-2: "Benign"; Align-GVGD: "Class C65"). This variant has not been reported in the literature in individuals affected with MERTK-related conditions. This variant is present in population databases (rs143570667, gnomAD 0.003%). This sequence change replaces serine, which is neutral and polar, with leucine, which is neutral and non-polar, at codon 172 of the MERTK protein (p.Ser172Leu).